The following is an entry in ClinVar:

ClinVar aggregate classification (germline): Pathogenic (1 of 4 stars; one submission).

Submission:

Labcorp Genetics (formerly Invitae), Labcorp
Classification: Pathogenic. Last evaluated: 2025-08-21. Review status: criteria provided, single submitter. Criteria: Invitae Variant Classification Sherloc (09022015). Collection method: clinical testing. Allele origin: germline.
Comment: This sequence change replaces serine, which is neutral and polar, with leucine, which is neutral and non-polar, at codon 221 of the DEAF1 protein (p.Ser221Leu). This variant is not present in population databases (gnomAD no frequency). This missense change has been observed in individual(s) with clinical features of autosomal dominant DEAF1-related conditions (PMID: 35981081; internal data). In at least one individual the variant was observed to be de novo. ClinVar contains an entry for this variant (Variation ID: 2757965). An algorithm developed to predict the effect of missense changes on protein structure and function (PolyPhen-2) suggests that this variant is likely to be disruptive. Experimental studies have shown that this missense change affects DEAF1 function (PMID: 35981081). For these reasons, this variant has been classified as Pathogenic.

Literature cited by the submitters: PubMed 35981081.

NM_021008.4(DEAF1):c.662C>T (p.Ser221Leu)

Gene: DEAF1 (DEAF1 transcription factor; minus strand). Cytogenetic location: 11p15.5.
Variant type: single nucleotide variant.
Coding change: c.662C>T on transcript NM_021008.4 (MANE Select); coding-DNA position 662, C replaced by T.
Protein change: p.Ser221Leu; replaces serine 221 with leucine.
Molecular consequence: missense variant. On other transcripts: 5 prime UTR variant (1).
Genome position (GRCh38, 1-based): chr11:687,913, G>A on the plus strand (C>T on the coding strand, the complement: DEAF1 is on the minus strand). VCF-style: chr11-687913-G-A. GRCh37 (hg19) VCF-style: chr11-687913-G-A.
Other names: c.662C>T, p.Ser221Leu (NM_001293634.2); c.-65C>T (NM_001367390.1); short protein forms S221L.
Identifiers: ClinVar variation 2757965 (VCV002757965.3), dbSNP rs2494454966, ClinGen allele CA378933276.